The following is an entry in ClinVar:

NM_001145860.2(POP1):c.1710+1G>A

Gene: POP1 (POP1 ribonuclease P/MRP subunit; plus strand). Cytogenetic location: 8q22.2.
Variant type: single nucleotide variant.
Coding change: c.1710+1G>A on transcript NM_001145860.2 (MANE Select); the canonical splice donor site of the intron after coding-DNA position 1710, G replaced by A.
Molecular consequence: splice donor variant.
Genome position (GRCh38, 1-based): chr8:98,146,684, G>A. VCF-style: chr8-98146684-G-A. GRCh37 (hg19) VCF-style: chr8-99158912-G-A.
Other names: c.1710+1G>A (NM_001145861.2, NM_015029.3).
Identifiers: ClinVar variation 3612147 (VCV003612147.2).

ClinVar aggregate classification (germline): Likely pathogenic (1 of 4 stars; one submission).

gnomAD v4.1: 2 of 1,581,282 alleles (0.00013%); highest among the groups gnomAD compares: Admixed American, 0.0033%; no homozygotes.

Submission:

Labcorp Genetics (formerly Invitae), Labcorp
Classification: Likely pathogenic. Last evaluated: 2024-04-29. Review status: criteria provided, single submitter. Criteria: Invitae Variant Classification Sherloc (09022015). Collection method: clinical testing. Allele origin: germline.
Comment: This sequence change affects a donor splice site in intron 12 of the POP1 gene. It is expected to disrupt RNA splicing. Variants that disrupt the donor or acceptor splice site typically lead to a loss of protein function (PMID: 16199547), and loss-of-function variants in POP1 are known to be pathogenic (PMID: 21455487). This variant is present in population databases (no rsID available, gnomAD 0.003%). This variant has not been reported in the literature in individuals affected with POP1-related conditions. Algorithms developed to predict the effect of sequence changes on RNA splicing suggest that this variant may disrupt the consensus splice site. In summary, the currently available evidence indicates that the variant is pathogenic, but additional data are needed to prove that conclusively. Therefore, this variant has been classified as Likely Pathogenic.

Literature cited by the submitters: PubMed 16199547; PubMed 21455487.